The following is an entry in ClinVar:

Single allele

Genes: NTHL1 (nth like DNA glycosylase 1; minus strand), TSC2 (TSC complex subunit 2; plus strand), LOC130058209 (ATAC-STARR-seq lymphoblastoid active region 10253; plus strand), LOC130058210 (ATAC-STARR-seq lymphoblastoid silent region 7024; plus strand). Cytogenetic location: 16p13.3.
Variant type: Deletion.
Identifiers: ClinVar variation 4819218 (VCV004819218.1).

ClinVar aggregate classification (germline): Pathogenic (1 of 4 stars; one submission).

Conditions:
Tuberous sclerosis 2 (TSC2). Identifiers: Orphanet 805, MedGen C1860707, MONDO:0013199, OMIM 613254.

Submission:

Broad Center for Mendelian Genomics, Broad Institute of MIT and Harvard
Classification: Pathogenic for Tuberous sclerosis 2. Last evaluated: 2023-05-01. Review status: criteria provided, single submitter. Criteria: ACMG/ClinGen CNV Guidelines, 2019. Collection method: research. Allele origin: germline. Inheritance: Autosomal dominant inheritance. Affected: yes.
Comment: These breakpoints have been called by exome sequencing only and therefore may not reflect the true breakpoints. The patient phenotype is nonspecific, but is consistent with cases described in the literature and/or published databases with overlapping variants. There is partial overlap with the 5’ end of the TSC2 gene including coding sequence, which is known to be haploinsufficient, and has been assessed by the ClinGen Dosage Sensitivity Working Group. Data from large population studies are insufficient to assess the frequency of this variant. In summary, this variant meets criteria to be classified as pathogenic for autosomal dominant tuberous sclerosis. The ACMG/ClinGen evidence codes and points used in this curation are as follows: 1: 0 points, 2: 0.90 points, 3: 0 points, 4-5: 0.1 points Total; 1 points; Riggs 2020 (PMID: 31690835).